The following is an entry in ClinVar:

ClinVar aggregate classification (germline): Uncertain significance. Review status: criteria provided, multiple submitters, no conflicts (2 of 4 stars). 2 submissions from 2 submitters: Uncertain significance (2). Last evaluated 2022-10-31.

Conditions:
Shprintzen-Goldberg syndrome (SGS). Also called: SHPRINTZEN-GOLDBERG CRANIOSYNOSTOSIS SYNDROME; CRANIOSYNOSTOSIS WITH ARACHNODACTYLY AND ABDOMINAL HERNIAS; Marfanoid disorder with craniosynostosis type 1; Marfanoid craniosynostosis syndrome; Shprintzen-Goldberg marfanoid syndrome. Identifiers: Orphanet 2462, MedGen C1321551, MONDO:0008426, OMIM 182212.

Allele frequency attached by ClinVar (database versions not stated): TOPMed below 0.00001; gnomAD 0.00001.
gnomAD v4.1: 3 of 1,582,396 alleles (0.00019%); highest among the groups gnomAD compares: Non-Finnish European, 0.00026%; no homozygotes.

Submissions (2):

Labcorp Genetics (formerly Invitae), Labcorp
Classification: Uncertain significance for Shprintzen-Goldberg syndrome. Last evaluated: 2022-10-31. Review status: criteria provided, single submitter. Criteria: Invitae Variant Classification Sherloc (09022015). Collection method: clinical testing. Allele origin: germline.
Comment: This sequence change replaces valine, which is neutral and non-polar, with alanine, which is neutral and non-polar, at codon 567 of the SKI protein (p.Val567Ala). This variant is not present in population databases (gnomAD no frequency). This variant has not been reported in the literature in individuals affected with SKI-related conditions. ClinVar contains an entry for this variant (Variation ID: 426770). Advanced modeling of protein sequence and biophysical properties (such as structural, functional, and spatial information, amino acid conservation, physicochemical variation, residue mobility, and thermodynamic stability) has been performed at Invitae for this missense variant, however the output from this modeling did not meet the statistical confidence thresholds required to predict the impact of this variant on SKI protein function. In summary, the available evidence is currently insufficient to determine the role of this variant in disease. Therefore, it has been classified as a Variant of Uncertain Significance.

GeneDx
Classification: Uncertain significance. Last evaluated: 2017-04-05. Review status: criteria provided, single submitter. Criteria: GeneDx Variant Classification (06012015). Collection method: clinical testing. Allele origin: germline. Affected: yes.
Comment: A variant of uncertain significance has been identified in the SKI gene. The V567A variant has not been published as pathogenic or been reported as benign to our knowledge. This variant is not observed in large population cohorts (Lek et al., 2016; 1000 Genomes Consortium et al., 2015; Exome Variant Server). The V567A variant occurs at a position where amino acids with similar properties to valine are tolerated across species. Moreover, this substitution is a conservative amino acid substitution, which is not likely to impact secondary protein structure as these residues share similar properties. In addition, in silico analysis is inconsistent in its predictions as to whether or not the variant is damaging to the protein structure/function.

NM_003036.4(SKI):c.1700T>C (p.Val567Ala)

Gene: SKI (SKI proto-oncogene; plus strand). Cytogenetic location: 1p36.32.
Variant type: single nucleotide variant.
Coding change: c.1700T>C on transcript NM_003036.4 (MANE Select); coding-DNA position 1700, T replaced by C.
Protein change: p.Val567Ala; replaces valine 567 with alanine.
Molecular consequence: missense variant.
Genome position (GRCh38, 1-based): chr1:2,304,518, T>C. VCF-style: chr1-2304518-T-C. GRCh37 (hg19) VCF-style: chr1-2235957-T-C.
Other names: short protein forms V567A.
Identifiers: ClinVar variation 426770 (VCV000426770.5), dbSNP rs887731777, ClinGen allele CA16896792.